The following is an entry in ClinVar:

ClinVar aggregate classification (germline): Likely pathogenic (1 of 4 stars; one submission).

Conditions:
Dyskeratosis congenita. Identifiers: Orphanet 1775, MedGen C0265965, MONDO:0015780.

Submission:

Sema4
Classification: Likely pathogenic for Dyskeratosis congenita. Last evaluated: 2021-09-14. Review status: criteria provided, single submitter. Criteria: Sema4 Curation Guidelines. Collection method: curation. Allele origin: germline.
Comment: To the best of our knowledge, the CTC1 c.1120G>T (p.E374*) variant has not been reported in the literature. This nonsense variant creates a premature stop codon at residue 374 of the CTC1 protein. This variant is expected to result in an absent or non-functional protein product (loss of function). Loss of function variants in CTC1 are known to be pathogenic (PMID: 22267198). This variant is not reported in the population database Genome Aggregation Database (PMID: 32461654), nor in ClinVar. Based on the current evidence available, this variant is interpreted as likely pathogenic.

Literature cited by the submitters: PubMed 22267198.

NM_025099.6(CTC1):c.1120G>T (p.Glu374Ter)

Gene: CTC1 (CST telomere replication complex component 1; minus strand). Cytogenetic location: 17p13.1.
Variant type: single nucleotide variant.
Coding change: c.1120G>T on transcript NM_025099.6 (MANE Select); coding-DNA position 1120, G replaced by T.
Protein change: p.Glu374Ter; replaces glutamic acid 374 with a stop codon.
Molecular consequence: nonsense. On other transcripts: non-coding transcript variant (1).
Genome position (GRCh38, 1-based): chr17:8,235,917, C>A on the plus strand (G>T on the coding strand, the complement: CTC1 is on the minus strand). VCF-style: chr17-8235917-C-A. GRCh37 (hg19) VCF-style: chr17-8139235-C-A.
Other names: short protein forms E374*.
Identifiers: ClinVar variation 1691958 (VCV001691958.1), dbSNP rs1987674659, ClinGen allele CA397987131.